The following is an entry in ClinVar:

ClinVar aggregate classification (germline): Benign/Likely benign. Review status: criteria provided, multiple submitters, no conflicts (2 of 4 stars). 3 submissions from 3 submitters: Benign (1); Likely benign (2). Last evaluated 2026-01-19.

Conditions:
Adenylosuccinate lyase deficiency (ADSLD). Also called: ADSL DEFICIENCY. Identifiers: Orphanet 46, MedGen C0268126, MONDO:0007068, OMIM 103050.

Allele frequency attached by ClinVar (database versions not stated): 1000 Genomes Project 30x 0.00016; ExAC 0.00019; 1000 Genomes Project 0.00020; gnomAD 0.00040 and 0.00046; TOPMed 0.00041; ESP Exome Variant Server 0.00046.
gnomAD v4.1: 122 of 1,605,858 alleles (0.0076%); highest among the groups gnomAD compares: African/African-American, 0.15%; no homozygotes.

Submissions (3):

Labcorp Genetics (formerly Invitae), Labcorp
Classification: Likely benign for Adenylosuccinate lyase deficiency. Last evaluated: 2026-01-19. Review status: criteria provided, single submitter. Criteria: Invitae Variant Classification Sherloc (09022015). Collection method: clinical testing. Allele origin: germline.

Blueprint Genetics
Classification: Likely benign. Last evaluated: 2024-01-12. Review status: criteria provided, single submitter. Criteria: ACMG Guidelines, 2015. Collection method: clinical testing. Allele origin: germline.

GeneDx
Classification: Benign. Last evaluated: 2013-10-01. Review status: criteria provided, single submitter. Criteria: GeneDx Variant Classification (06012015). Collection method: clinical testing. Allele origin: germline. Affected: yes.
Comment: This variant is considered likely benign or benign based on one or more of the following criteria: it is a conservative change, it occurs at a poorly conserved position in the protein, it is predicted to be benign by multiple in silico algorithms, and/or has population frequency not consistent with disease.

NM_000026.4(ADSL):c.27G>T (p.Ser9=)

Gene: ADSL (adenylosuccinate lyase; plus strand). Cytogenetic location: 22q13.1.
Variant type: single nucleotide variant.
Coding change: c.27G>T on transcript NM_000026.4 (MANE Select); coding-DNA position 27, G replaced by T.
Protein change: p.Ser9=; no amino-acid change (serine 9 retained).
Molecular consequence: synonymous variant. On other transcripts: 5 prime UTR variant (1), non-coding transcript variant (1).
Genome position (GRCh38, 1-based): chr22:40,346,585, G>T. VCF-style: chr22-40346585-G-T. GRCh37 (hg19) VCF-style: chr22-40742589-G-T.
Other names: p.S9S:TCG>TCT; c.27G>T, p.Ser9= (NM_001123378.3, NM_001363840.3); c.-111G>T (NM_001317923.2).
Identifiers: ClinVar variation 136310 (VCV000136310.13), dbSNP rs146873132, ClinGen allele CA289318.
Genomic context (GRCh38, chr22:40,346,585, plus strand): 5'-GTCCAGTCCACCCTGGCGGGGTCGCAGGGTTGGGATGGCGGCTGGAGGCGATCATGGTTC[G>T]CCCGACAGCTACCGCTCACCTCTTGCCTCCCGCTATGCCAGCCCGGAGATGTGCTTCGTG-3'
Protein context (NP_000017.1, residues 1-19): MAAGGDHG[Ser9=]PDSYRSPLAS